The following is an entry in ClinVar:

ClinVar aggregate classification (germline): Uncertain significance. Review status: criteria provided, multiple submitters, no conflicts (2 of 4 stars). 3 submissions from 3 submitters: Uncertain significance (3). Last evaluated 2024-03-22.

Conditions:
Hereditary cancer-predisposing syndrome. Also called: Tumor predisposition; Hereditary neoplastic syndrome; Neoplastic Syndromes, Hereditary; Hereditary Cancer Syndrome. Identifiers: Orphanet 140162, MedGen C0027672, MeSH D009386, MONDO:0015356.
Oligodontia-cancer predisposition syndrome. Also called: TOOTH AGENESIS-COLORECTAL CANCER SYNDROME. Identifiers: Orphanet 300576, MedGen C1837750, MONDO:0012075, OMIM 608615. Disease mechanism: loss of function.

Submissions (3):

Ambry Genetics
Classification: Uncertain significance for Hereditary cancer-predisposing syndrome. Last evaluated: 2024-03-22. Review status: criteria provided, single submitter. Criteria: Ambry Variant Classification Scheme 2023. Collection method: clinical testing. Allele origin: germline.
Comment: The p.K642N variant (also known as c.1926G>T), located in coding exon 7 of the AXIN2 gene, results from a G to T substitution at nucleotide position 1926. The lysine at codon 642 is replaced by asparagine, an amino acid with similar properties. This amino acid position is conserved. In addition, this alteration is predicted to be tolerated by in silico analysis. Since supporting evidence is limited at this time, the clinical significance of this alteration remains unclear.

Labcorp Genetics (formerly Invitae), Labcorp
Classification: Uncertain significance for Oligodontia-cancer predisposition syndrome. Last evaluated: 2023-12-10. Review status: criteria provided, single submitter. Criteria: Invitae Variant Classification Sherloc (09022015). Collection method: clinical testing. Allele origin: germline.
Comment: This sequence change replaces lysine, which is basic and polar, with asparagine, which is neutral and polar, at codon 642 of the AXIN2 protein (p.Lys642Asn). This variant is not present in population databases (gnomAD no frequency). This variant has not been reported in the literature in individuals affected with AXIN2-related conditions. ClinVar contains an entry for this variant (Variation ID: 1009679). Advanced modeling of protein sequence and biophysical properties (such as structural, functional, and spatial information, amino acid conservation, physicochemical variation, residue mobility, and thermodynamic stability) performed at Invitae indicates that this missense variant is expected to disrupt AXIN2 protein function with a positive predictive value of 80%. In summary, the available evidence is currently insufficient to determine the role of this variant in disease. Therefore, it has been classified as a Variant of Uncertain Significance.

GeneDx
Classification: Uncertain significance. Last evaluated: 2019-06-10. Review status: criteria provided, single submitter. Criteria: GeneDx Variant Classification Process June 2021. Collection method: clinical testing. Allele origin: germline. Affected: yes.
Comment: Not observed in large population cohorts (Lek et al., 2016); In silico analysis, which includes protein predictors and evolutionary conservation, supports a deleterious effect; Has not been previously published as pathogenic or benign to our knowledge

NM_004655.4(AXIN2):c.1926G>T (p.Lys642Asn)

Gene: AXIN2 (axin 2; minus strand). Cytogenetic location: 17q24.1.
Variant type: single nucleotide variant.
Coding change: c.1926G>T on transcript NM_004655.4 (MANE Select); coding-DNA position 1926, G replaced by T.
Protein change: p.Lys642Asn; replaces lysine 642 with asparagine.
Molecular consequence: missense variant.
Genome position (GRCh38, 1-based): chr17:65,536,535, C>A on the plus strand (G>T on the coding strand, the complement: AXIN2 is on the minus strand). VCF-style: chr17-65536535-C-A. GRCh37 (hg19) VCF-style: chr17-63532653-C-A.
Other names: c.1731G>T, p.Lys577Asn (NM_001363813.1); short protein forms K577N, K642N.
Identifiers: ClinVar variation 1009679 (VCV001009679.13), dbSNP rs2043921696, ClinGen allele CA400676318.